The following is an entry in ClinVar:

NM_000383.4(AIRE):c.1610C>T (p.Ala537Val)

Gene: AIRE (autoimmune regulator; plus strand). Cytogenetic location: 21q22.3.
Variant type: single nucleotide variant.
Coding change: c.1610C>T on transcript NM_000383.4 (MANE Select); coding-DNA position 1610, C replaced by T.
Protein change: p.Ala537Val; replaces alanine 537 with valine.
Molecular consequence: missense variant.
Genome position (GRCh38, 1-based): chr21:44,297,699, C>T. VCF-style: chr21-44297699-C-T. GRCh37 (hg19) VCF-style: chr21-45717582-C-T.
Other names: short protein forms A537V.
Identifiers: ClinVar variation 4749797 (VCV004749797.1).
Genomic context (GRCh38, chr21:44,297,699, plus strand): 5'-GTCACTCTGTCCCGCAGCACACCTTCGATGGCATCCTGCAGTGGGCCATCCAGAGCATGG[C>T]CCGTCCGGCGGCCCCCTTCCCCTCCTGACCCCAGATGGCCGGGACATGCAGCTCTGATGA-3'
Protein context (NP_000374.1, residues 527-545): GILQWAIQSM[Ala537Val]RPAAPFPS

ClinVar aggregate classification (germline): Uncertain significance (1 of 4 stars; one submission).

Conditions:
Polyglandular autoimmune syndrome, type 1 (APS1). Also called: PGA I; Autoimmune polyendocrinopathy syndrome , type I, with or without reversible metaphyseal dysplasia; Whitaker syndrome; Autoimmune polyendocrine syndrome type 1; AUTOIMMUNE POLYENDOCRINE SYNDROME, TYPE I, WITH OR WITHOUT REVERSIBLE METAPHYSEAL DYSPLASIA; APS I. Identifiers: Orphanet 3453, MedGen C0085859, MONDO:0009411, OMIM 240300.

gnomAD v4.1: 1 of 1,612,474 alleles (0.000062%); highest among the groups gnomAD compares: Middle Eastern, 0.017%; no homozygotes.

Submission:

Labcorp Genetics (formerly Invitae), Labcorp
Classification: Uncertain significance for Polyglandular autoimmune syndrome, type 1. Last evaluated: 2025-06-04. Review status: criteria provided, single submitter. Criteria: Invitae Variant Classification Sherloc (09022015). Collection method: clinical testing. Allele origin: germline.
Comment: This sequence change replaces alanine, which is neutral and non-polar, with valine, which is neutral and non-polar, at codon 537 of the AIRE protein (p.Ala537Val). This variant is not present in population databases (gnomAD no frequency). This variant has not been reported in the literature in individuals affected with AIRE-related conditions. Invitae Evidence Modeling of protein sequence and biophysical properties (such as structural, functional, and spatial information, amino acid conservation, physicochemical variation, residue mobility, and thermodynamic stability) indicates that this missense variant is not expected to disrupt AIRE protein function with a negative predictive value of 95%. In summary, the available evidence is currently insufficient to determine the role of this variant in disease. Therefore, it has been classified as a Variant of Uncertain Significance.